The following is an entry in ClinVar:

ClinVar aggregate classification (germline): Pathogenic (1 of 4 stars; one submission).

Conditions:
Ataxia-telangiectasia syndrome (AT). Also called: Cerebello-oculocutaneous telangiectasia; Immunodeficiency with ataxia telangiectasia; Ataxia-telangiectasia, complementation group E; Ataxia-telangiectasia, complementation group D; AT, COMPLEMENTATION GROUP C; ATAXIA-TELANGIECTASIA, COMPLEMENTATION GROUP A. Identifiers: Orphanet 100, MedGen C0004135, MONDO:0008840, OMIM 208900.

Submission:

Labcorp Genetics (formerly Invitae), Labcorp
Classification: Pathogenic for Ataxia-telangiectasia syndrome. Last evaluated: 2018-06-24. Review status: criteria provided, single submitter. Criteria: Invitae Variant Classification Sherloc (09022015). Collection method: clinical testing. Allele origin: germline.
Comment: For these reasons, this variant has been classified as Pathogenic. This sequence change creates a premature translational stop signal (p.Gly2186Trpfs*11) in the ATM gene. It is expected to result in an absent or disrupted protein product. This variant is not present in population databases (ExAC no frequency). This variant has not been reported in the literature in individuals with ATM-related disease. Loss-of-function variants in ATM are known to be pathogenic (PMID: 23807571, 25614872).

Literature cited by the submitters: PubMed 23807571; PubMed 25614872.

NM_000051.4(ATM):c.6555dup (p.Gly2186fs)

Genes: ATM (ATM serine/threonine kinase; plus strand), C11orf65 (chromosome 11 open reading frame 65; minus strand). Cytogenetic location: 11q22.3.
Variant type: Duplication.
Coding change: c.6555dup on transcript NM_000051.4 (MANE Select); coding-DNA position 6555, one base duplicated (T; older notation c.6555dupT).
Protein change: p.Gly2186fs; shifts the reading frame from glycine 2186.
Molecular consequence: frameshift variant. On other transcripts: intron variant (2).
Genome position (GRCh38, 1-based): chr11:108,321,403, T duplicated; the last of 2 consecutive T bases (chr11:108,321,402-108,321,403); duplicating either gives the same sequence. VCF-style (leftmost placement, unchanged base first): chr11-108321401-A-AT. GRCh37 (hg19) VCF-style: chr11-108192128-A-AT.
Other names: c.6555dup, p.Gly2186fs (NM_001351834.2); c.641-12331dup (NM_001330368.2); c.*39-12331dup (NM_001351110.2); c.6555dupT (NM_000051.3); short protein forms G2186fs.
Identifiers: ClinVar variation 570427 (VCV000570427.8), dbSNP rs1565511585, ClinGen allele CA891842651.